The following is an entry in ClinVar:

NM_014915.3(ANKRD26):c.4406T>A (p.Met1469Lys)

Gene: ANKRD26 (ankyrin repeat domain containing 26; minus strand). Cytogenetic location: 10p12.1.
Variant type: single nucleotide variant.
Coding change: c.4406T>A on transcript NM_014915.3 (MANE Select); coding-DNA position 4406, T replaced by A.
Protein change: p.Met1469Lys; replaces methionine 1469 with lysine.
Molecular consequence: missense variant.
Genome position (GRCh38, 1-based): chr10:27,017,602, A>T on the plus strand (T>A on the coding strand, the complement: ANKRD26 is on the minus strand). VCF-style: chr10-27017602-A-T. GRCh37 (hg19) VCF-style: chr10-27306531-A-T.
Other names: c.4403T>A, p.Met1468Lys (NM_001256053.2); short protein forms M1468K, M1469K.
Identifiers: ClinVar variation 1311637 (VCV001311637.2), dbSNP rs2053341037, ClinGen allele CA376357460.
Genomic context (GRCh38, chr10:27,017,602, plus strand): 5'-TCCTGTCTTGCTCTTTCTTCAATCTCCTGTTTATACTGTTTGACTTGACCAAGTTCTACC[A>T]TATTCCTTTCTATATGACTTCTCAGGTTGATCACTTCTTGTTCCAACTTCTTTTTATTCT-3'
Protein context (NP_055730.2, residues 1459-1479): INLRSHIERN[Met1469Lys]VELGQVKQYK

ClinVar aggregate classification (germline): Uncertain significance (1 of 4 stars; one submission).

Allele frequency attached by ClinVar (database versions not stated): TOPMed 0.00002.

Submission:

GeneDx
Classification: Uncertain significance. Last evaluated: 2019-09-05. Review status: criteria provided, single submitter. Criteria: GeneDx Variant Classification Process June 2021. Collection method: clinical testing. Allele origin: germline. Affected: yes.
Comment: Not observed in large population cohorts (Lek et al., 2016); In silico analysis, which includes protein predictors and evolutionary conservation, supports a deleterious effect; In silico analysis, which includes splice predictors and evolutionary conservation, suggests this variant may impact gene splicing. In the absence of RNA/functional studies, the actual effect of this sequence change is unknown.; Has not been previously published as pathogenic or benign to our knowledge